The following is an entry in ClinVar:

ClinVar aggregate classification (germline): Likely benign (1 of 4 stars; one submission).

Conditions:
PKD1-related disorder. Also called: PKD1-related condition.

Submission:

PreventionGenetics, part of Exact Sciences
Classification: Likely benign for PKD1-related condition. Last evaluated: 2025-12-02. Review status: criteria provided, single submitter. Criteria: ACMG Guidelines, 2015. Collection method: clinical testing. Allele origin: germline.
Comment: This variant is classified as likely benign based on ACMG/AMP sequence variant interpretation guidelines (Richards et al. 2015 PMID: 25741868, with internal and published modifications).

NM_001009944.3(PKD1):c.11713-16A>G

Gene: PKD1 (polycystin 1, transient receptor potential channel interacting; minus strand). Cytogenetic location: 16p13.3.
Variant type: single nucleotide variant.
Coding change: c.11713-16A>G on transcript NM_001009944.3 (MANE Select); 16 bases into the intron before coding-DNA position 11713, A replaced by G.
Molecular consequence: intron variant.
Genome position (GRCh38, 1-based): chr16:2,091,190, T>C on the plus strand (A>G on the coding strand, the complement: PKD1 is on the minus strand). VCF-style: chr16-2091190-T-C. GRCh37 (hg19) VCF-style: chr16-2141191-T-C.
Other names: c.11710-16A>G (NM_000296.4).
Identifiers: ClinVar variation 4992130 (VCV004992130.1).